The following is an entry in ClinVar:

ClinVar aggregate classification (germline): Conflicting classifications of pathogenicity. Review status: criteria provided, conflicting classifications (1 of 4 stars). 5 submissions from 5 submitters: Uncertain significance (1); Likely benign (4). Last evaluated 2025-11-10.

Conditions:
Glycogen storage disease, type II (IOPD). Also called: POMPE DISEASE, INFANTILE-ONSET; GLYCOGEN STORAGE DISEASE II, INFANTILE-ONSET; ACID ALPHA-GLUCOSIDASE DEFICIENCY, INFANTILE-ONSET; GAA DEFICIENCY, INFANTILE-ONSET; ACID MALTASE DEFICIENCY, INFANTILE-ONSET; CARDIOMEGALIA GLYCOGENICA DIFFUSA. Identifiers: Orphanet 365, MedGen C0017921, MONDO:0009290, OMIM 232300.

Allele frequency attached by ClinVar (database versions not stated): ExAC 0.00001; gnomAD 0.00001; gnomAD exomes 0.00001 and 0.00004; TOPMed 0.00001; ESP Exome Variant Server 0.00008.
gnomAD v4.1: 52 of 1,589,278 alleles (0.0033%); highest among the groups gnomAD compares: Non-Finnish European, 0.0044%; no homozygotes.

Submissions (5):

Labcorp Genetics (formerly Invitae), Labcorp
Classification: Likely benign for Glycogen storage disease, type II. Last evaluated: 2025-11-10. Review status: criteria provided, single submitter. Criteria: Invitae Variant Classification Sherloc (09022015). Collection method: clinical testing. Allele origin: germline.

Genome-Nilou Lab
Classification: Likely benign for Glycogen storage disease, type II. Last evaluated: 2021-07-22. Review status: criteria provided, single submitter. Criteria: ACMG Guidelines, 2015. Collection method: clinical testing. Allele origin: germline. Affected: no.

Broad Center for Mendelian Genomics, Broad Institute of MIT and Harvard
Classification: Likely benign for Glycogen storage disease, type II. Last evaluated: 2020-01-22. Review status: criteria provided, single submitter. Criteria: ACMG Guidelines, 2015. Collection method: curation. Allele origin: germline. Inheritance: Autosomal recessive inheritance.
Comment: The c.692+9T>C variant in GAA has not been previously reported in individuals with Glycogen Storage Disease II but has been reported as a VUS by EGL Genetic Diagnostics and a likely benign variant by GeneDx in ClinVar (Variation ID: 288402). This variant has been identified in 0.002% (2/110670) of European (non-Finnish) chromosomes by the Genome Aggregation Database (gnomAD; dbSNP rs367661167). Although this variant has been seen in the general population, its frequency is low enough to be consistent with a recessive carrier frequency. Computational splice prediction tools and conservation analyses suggest that this variant may not impact the protein, though this information is not predictive enough to rule out pathogenicity. However, novel synonymous variants supported by computational evidence without raised suspicion for an impact are likely benign (Richards 2015). In summary, although additional studies are required to fully establish its clinical significance, this variant is likely benign. ACMG/AMP Criteria applied: PM2, BP4, BP7 (Richards 2015).

GeneDx
Classification: Likely benign. Last evaluated: 2016-09-30. Review status: criteria provided, single submitter. Criteria: GeneDx Variant Classification (06012015). Collection method: clinical testing. Allele origin: germline. Affected: yes.
Comment: This variant is considered likely benign or benign based on one or more of the following criteria: it is a conservative change, it occurs at a poorly conserved position in the protein, it is predicted to be benign by multiple in silico algorithms, and/or has population frequency not consistent with disease.

Eurofins Ntd Llc (ga)
Classification: Uncertain significance. Last evaluated: 2016-06-02. Review status: criteria provided, single submitter. Criteria: EGL Classification Definitions 2015. Collection method: clinical testing. Allele origin: germline. Observed: 1 variant allele, 1 heterozygote.

NM_000152.5(GAA):c.692+9T>C

Gene: GAA (alpha glucosidase; plus strand). Cytogenetic location: 17q25.3.
Variant type: single nucleotide variant.
Coding change: c.692+9T>C on transcript NM_000152.5 (MANE Select); 9 bases into the intron after coding-DNA position 692, T replaced by C.
Molecular consequence: intron variant.
Genome position (GRCh38, 1-based): chr17:80,105,903, T>C. VCF-style: chr17-80105903-T-C. GRCh37 (hg19) VCF-style: chr17-78079702-T-C.
Other names: c.692+9T>C (NM_001079803.3, NM_001079804.3, LRG_673t1).
Identifiers: ClinVar variation 288402 (VCV000288402.20), dbSNP rs367661167, ClinGen allele CA8814967.